The following is an entry in ClinVar:

NM_001271.4(CHD2):c.4193A>C (p.Lys1398Thr)

Gene: CHD2 (chromodomain helicase DNA binding protein 2; plus strand). Cytogenetic location: 15q26.1.
Variant type: single nucleotide variant.
Coding change: c.4193A>C on transcript NM_001271.4 (MANE Select); coding-DNA position 4193, A replaced by C.
Protein change: p.Lys1398Thr; replaces lysine 1398 with threonine.
Molecular consequence: missense variant.
Genome position (GRCh38, 1-based): chr15:93,002,232, A>C. VCF-style: chr15-93002232-A-C. GRCh37 (hg19) VCF-style: chr15-93545462-A-C.
Other names: short protein forms K1398T.
Identifiers: ClinVar variation 1524535 (VCV001524535.8), dbSNP rs1239452633, ClinGen allele CA393900973.
Genomic context (GRCh38, chr15:93,002,232, plus strand): 5'-CCTAGGATGATGGCTTGGAAAAAAGTCCAATGAAAAAAAAACAGAAGAAGAAAGAGAACA[A>C]GGAGAACAAGGAGAAACAAATGAGTTCTAGGAAAGACAAAGAAGGGGACAAGGAAAGAAA-3'
Protein context (NP_001262.3, residues 1388-1408): MKKKQKKKEN[Lys1398Thr]ENKEKQMSSR

ClinVar aggregate classification (germline): Uncertain significance (1 of 4 stars; one submission).

Conditions:
Developmental and epileptic encephalopathy 94 (DEE94). Also called: Epileptic encephalopathy, childhood-onset; CHD2-Related Neurodevelopmental Disorders. Identifiers: Orphanet 1942, Orphanet 2382, MedGen C3809278, MONDO:0014150, OMIM 615369.

Allele frequency attached by ClinVar (database versions not stated): TOPMed below 0.00001; gnomAD 0.00001.

Submission:

Labcorp Genetics (formerly Invitae), Labcorp
Classification: Uncertain significance for Developmental and epileptic encephalopathy 94. Last evaluated: 2021-05-03. Review status: criteria provided, single submitter. Criteria: Invitae Variant Classification Sherloc (09022015). Collection method: clinical testing. Allele origin: germline.
Comment: In summary, the available evidence is currently insufficient to determine the role of this variant in disease. Therefore, it has been classified as a Variant of Uncertain Significance. Advanced modeling of protein sequence and biophysical properties (such as structural, functional, and spatial information, amino acid conservation, physicochemical variation, residue mobility, and thermodynamic stability) performed at Invitae indicates that this missense variant is not expected to disrupt CHD2 protein function. This sequence change replaces lysine with threonine at codon 1398 of the CHD2 protein (p.Lys1398Thr). The lysine residue is moderately conserved and there is a moderate physicochemical difference between lysine and threonine. This variant has not been reported in the literature in individuals with CHD2-related conditions. This variant is not present in population databases (ExAC no frequency).